The following is an entry in ClinVar:

ClinVar aggregate classification (germline): Uncertain significance. Review status: criteria provided, multiple submitters, no conflicts (2 of 4 stars). 2 submissions from 2 submitters: Uncertain significance (2). Last evaluated 2024-11-09.

Conditions:
Hereditary cancer-predisposing syndrome. Also called: Neoplastic Syndromes, Hereditary; Tumor predisposition; Hereditary Cancer Syndrome; Hereditary neoplastic syndrome. Identifiers: Orphanet 140162, MedGen C0027672, MeSH D009386, MONDO:0015356.

Allele frequency attached by ClinVar (database versions not stated): gnomAD exomes below 0.00001.
gnomAD v4.1: 1 of 1,614,116 alleles (0.000062%); highest among the groups gnomAD compares: Non-Finnish European, 0.000085%; no homozygotes.

Submissions (2):

Ambry Genetics
Classification: Uncertain significance for Hereditary cancer-predisposing syndrome. Last evaluated: 2024-11-09. Review status: criteria provided, single submitter. Criteria: Ambry Variant Classification Scheme 2023. Collection method: clinical testing. Allele origin: germline.
Comment: The p.I338V variant (also known as c.1012A>G), located in coding exon 8 of the SMARCB1 gene, results from an A to G substitution at nucleotide position 1012. The isoleucine at codon 338 is replaced by valine, an amino acid with highly similar properties. This amino acid position is highly conserved in available vertebrate species. In addition, this alteration is predicted to be tolerated by in silico analysis. Based on the available evidence, the clinical significance of this variant remains unclear.

Labcorp Genetics (formerly Invitae), Labcorp
Classification: Uncertain significance. Last evaluated: 2024-08-15. Review status: criteria provided, single submitter. Criteria: Invitae Variant Classification Sherloc (09022015). Collection method: clinical testing. Allele origin: germline.
Comment: This sequence change replaces isoleucine, which is neutral and non-polar, with valine, which is neutral and non-polar, at codon 338 of the SMARCB1 protein (p.Ile338Val). This variant is not present in population databases (gnomAD no frequency). This variant has not been reported in the literature in individuals affected with SMARCB1-related conditions. Invitae Evidence Modeling of protein sequence and biophysical properties (such as structural, functional, and spatial information, amino acid conservation, physicochemical variation, residue mobility, and thermodynamic stability) indicates that this missense variant is not expected to disrupt SMARCB1 protein function with a negative predictive value of 80%. In summary, the available evidence is currently insufficient to determine the role of this variant in disease. Therefore, it has been classified as a Variant of Uncertain Significance.

NM_003073.5(SMARCB1):c.1012A>G (p.Ile338Val)

Gene: SMARCB1 (SWI/SNF related BAF chromatin remodeling complex subunit B1; plus strand). Cytogenetic location: 22q11.23.
Variant type: single nucleotide variant.
Coding change: c.1012A>G on transcript NM_003073.5 (MANE Select); coding-DNA position 1012, A replaced by G.
Protein change: p.Ile338Val; replaces isoleucine 338 with valine.
Molecular consequence: missense variant.
Genome position (GRCh38, 1-based): chr22:23,833,597, A>G. VCF-style: chr22-23833597-A-G. GRCh37 (hg19) VCF-style: chr22-24175784-A-G.
Other names: c.985A>G, p.Ile329Val (NM_001007468.3); c.1039A>G, p.Ile347Val (NM_001317946.2); c.1066A>G, p.Ile356Val (NM_001362877.2); short protein forms I338V, I356V, I329V, I347V.
Identifiers: ClinVar variation 2828090 (VCV002828090.4), dbSNP rs2146041824, ClinGen allele CA410913025.